The following is an entry in ClinVar:

NM_000090.4(COL3A1):c.1347C>G (p.Arg449=)

Gene: COL3A1 (collagen type III alpha 1 chain; plus strand). Cytogenetic location: 2q32.2.
Variant type: single nucleotide variant.
Coding change: c.1347C>G on transcript NM_000090.4 (MANE Select); coding-DNA position 1347, C replaced by G.
Protein change: p.Arg449=; no amino-acid change (arginine 449 retained).
Molecular consequence: synonymous variant.
Genome position (GRCh38, 1-based): chr2:188,994,594, C>G. VCF-style: chr2-188994594-C-G. GRCh37 (hg19) VCF-style: chr2-189859320-C-G.
Identifiers: ClinVar variation 2770863 (VCV002770863.3), dbSNP rs755731385, ClinGen allele CA430309554.

ClinVar aggregate classification (germline): Uncertain significance (1 of 4 stars; one submission).

Conditions:
Ehlers-Danlos syndrome, type 4 (EDSVASC). Also called: Ehlers-Danlos Syndrome Type IV; Ehlers-Danlos syndrome vascular type; Ehlers Danlos syndrome, ecchymotic type; Ehlers Danlos syndrome, arterial type; Ehlers Danlos syndrome, Sack-Barabas type. Identifiers: Orphanet 286, MedGen C0268338, MONDO:0017314, OMIM 130050.

Submission:

Labcorp Genetics (formerly Invitae), Labcorp
Classification: Uncertain significance for Ehlers-Danlos syndrome, type 4. Last evaluated: 2023-10-22. Review status: criteria provided, single submitter. Criteria: Invitae Variant Classification Sherloc (09022015). Collection method: clinical testing. Allele origin: germline.
Comment: This sequence change affects codon 449 of the COL3A1 mRNA. It is a 'silent' change, meaning that it does not change the encoded amino acid sequence of the COL3A1 protein. It affects a nucleotide within the consensus splice site. This variant is not present in population databases (gnomAD no frequency). This variant has not been reported in the literature in individuals affected with COL3A1-related conditions. Algorithms developed to predict the effect of sequence changes on RNA splicing suggest that this variant is not likely to affect RNA splicing. In summary, the available evidence is currently insufficient to determine the role of this variant in disease. Therefore, it has been classified as a Variant of Uncertain Significance.